The following is an entry in ClinVar:

NM_017780.4(CHD7):c.495_500dup (p.164_165QP[4])

Gene: CHD7 (chromodomain helicase DNA binding protein 7; plus strand). Cytogenetic location: 8q12.2.
Variant type: Duplication.
Coding change: c.495_500dup on transcript NM_017780.4 (MANE Select); coding-DNA positions 495 to 500, 6 bases duplicated (ACAGCC; older notation c.495_500dupACAGCC).
Protein change: p.164_165QP[4].
Molecular consequence: inframe insertion.
Genome position (GRCh38, 1-based): chr8:60,741,927-60,741,932, ACAGCC duplicated; duplicating any 6 consecutive bases within chr8:60,741,922-60,741,932 gives the same sequence; the c. name uses the placement nearest the transcript's 3' end. VCF-style (leftmost placement, unchanged base first): chr8-60741921-G-GCAGCCA. GRCh37 (hg19) VCF-style: chr8-61654480-G-GCAGCCA.
Other names: c.495_500dup (NM_017780.2); c.495_500dup, p.164_165QP[4] (NM_001316690.1).
Identifiers: ClinVar variation 599437 (VCV000599437.10), dbSNP rs758131874, ClinGen allele CA4759326.
Genomic context (GRCh38, chr8:60,741,921, plus strand): 5'-CATGTGGGGCCCCAGGGCTGTTCAGGTACCAGACCAGATACGAGCCCCCTACCAGCAGCA[G>GCAGCCA]CAGCCACAGCCGCAGCCACCGCAGCCGGCTCCGTCGGGGCCCCCTGCACAGGGCCACCCT-3'

ClinVar aggregate classification (germline): Conflicting classifications of pathogenicity. Review status: criteria provided, conflicting classifications (1 of 4 stars). 3 submissions from 3 submitters: Uncertain significance (2); Likely benign (1). Last evaluated 2025-02-10.

Conditions:
CHARGE syndrome (CHARGE). Also called: Coloboma, heart anomaly, choanal atresia, retardation, genital and ear anomalies; CHARGE association; Hall-Hittner syndrome; Hittner Hirsch Kreh syndrome; CHARGE ASSOCIATION--COLOBOMA, HEART ANOMALY, CHOANAL ATRESIA, RETARDATION, GENITAL AND EAR ANOMALIES. Identifiers: Orphanet 138, MedGen C0265354, MONDO:0008965.

Submissions (3):

Labcorp Genetics (formerly Invitae), Labcorp
Classification: Uncertain significance for CHARGE syndrome. Last evaluated: 2025-02-10. Review status: criteria provided, single submitter. Criteria: Invitae Variant Classification Sherloc (09022015). Collection method: clinical testing. Allele origin: germline.
Comment: This variant, c.495_500dup, results in the insertion of 2 amino acid(s) of the CHD7 protein (p.Gln168_Pro169dup), but otherwise preserves the integrity of the reading frame. This variant is present in population databases (rs758131874, gnomAD 0.003%). This variant has not been reported in the literature in individuals affected with CHD7-related conditions. ClinVar contains an entry for this variant (Variation ID: 599437). In summary, the available evidence is currently insufficient to determine the role of this variant in disease. Therefore, it has been classified as a Variant of Uncertain Significance.

GeneDx
Classification: Uncertain significance. Last evaluated: 2024-12-31. Review status: criteria provided, single submitter. Criteria: GeneDx Variant Classification Process June 2021. Collection method: clinical testing. Allele origin: germline. Affected: yes.
Comment: In-frame duplication of 2 amino acids in a non-repeat region; Has not been previously published as pathogenic or benign to our knowledge

Institute for Genomic Medicine (IGM) Clinical Laboratory, Nationwide Children's Hospital
Classification: Likely benign. Last evaluated: 2017-07-10. Review status: criteria provided, single submitter. Criteria: ACMG Guidelines, 2015. Collection method: clinical testing. Allele origin: germline.
Comment: BS2, BP3.